The following is an entry in ClinVar:

NM_003159.2(CDKL5):c.745-?_825+?del

Gene: CDKL5 (cyclin dependent kinase like 5; plus strand).
Variant type: Deletion.
Coding change: c.745-?_825+?del on transcript NM_003159.2.
Identifiers: ClinVar variation 189598 (VCV000189598.2).

ClinVar aggregate classification (germline): Pathogenic (0 of 4 stars; one submission).

Conditions:
Developmental and epileptic encephalopathy, 2 (DEE2). Also called: INFANTILE SPASM SYNDROME, X-LINKED 2; CDKL5 deficiency disorder. Identifiers: Orphanet 1934, Orphanet 3451, Orphanet 505652, MedGen C4750718, MONDO:0010396, OMIM 300672.

Submission:

RettBASE
Classification: Pathogenic for Epileptic encephalopathy, early infantile, 2. Last evaluated: 2014-03-13. Review status: no assertion criteria provided. Collection method: curation. Allele origin: de novo. Affected: yes. Observed: 1 variant allele.
Comment: CDNA analysis showed skipping of exon 10

Literature cited by the submitters: PubMed 22867051.